The following is an entry in ClinVar:

NM_020639.3(RIPK4):c.936+6G>A

Gene: RIPK4 (receptor interacting serine/threonine kinase 4; minus strand). Cytogenetic location: 21q22.3.
Variant type: single nucleotide variant.
Coding change: c.936+6G>A on transcript NM_020639.3 (MANE Select); 6 bases into the intron after coding-DNA position 936, G replaced by A.
Molecular consequence: intron variant.
Genome position (GRCh38, 1-based): chr21:41,745,753, C>T on the plus strand (G>A on the coding strand, the complement: RIPK4 is on the minus strand). VCF-style: chr21-41745753-C-T. GRCh37 (hg19) VCF-style: chr21-43165913-C-T.
Identifiers: ClinVar variation 340026 (VCV000340026.6), dbSNP rs199827829, ClinGen allele CA10035478.
Genomic context (GRCh38, chr21:41,745,753, plus strand): 5'-AGTGGTTTGGAAACTCCTGCCTGGAAGCCGAGGAGACAAAAGACCCCTGTGGGAAGGACT[C>T]GTTACCTCGCTCCTGGGCTCCGGGGGGCTTTTCACGTCCAGATCATGAGCAGTTTCTTTC-3'

ClinVar aggregate classification (germline): Conflicting classifications of pathogenicity. Review status: criteria provided, conflicting classifications (1 of 4 stars). 2 submissions from 2 submitters: Uncertain significance (1); Likely benign (1). Last evaluated 2025-12-20.

Conditions:
RIPK4-related disorder. Also called: RIPK4-related condition.
Bartsocas-Papas syndrome 1. Also called: MULTIPLE PTERYGIUM SYNDROME, ASLAN TYPE; PTERYGIUM, POPLITEAL, LETHAL TYPE; Bartsocas-Papas syndrome. Identifiers: Orphanet 1234, MedGen C1849718, MONDO:0009901, OMIM 263650.

Allele frequency attached by ClinVar (database versions not stated): gnomAD exomes 0.00025; ExAC 0.00026; TOPMed 0.00028; gnomAD 0.00032 and 0.00035; ESP Exome Variant Server 0.00046.
gnomAD v4.1: 891 of 1,611,740 alleles (0.055%); highest among the groups gnomAD compares: Non-Finnish European, 0.07%; no homozygotes.

Submissions (2):

PreventionGenetics, part of Exact Sciences
Classification: Likely benign for RIPK4-related condition. Last evaluated: 2025-12-20. Review status: criteria provided, single submitter. Criteria: ACMG Guidelines, 2015. Collection method: clinical testing. Allele origin: germline.
Comment: This variant is classified as likely benign based on ACMG/AMP sequence variant interpretation guidelines (Richards et al. 2015 PMID: 25741868, with internal and published modifications).

Illumina Laboratory Services, Illumina
Classification: Uncertain significance for Bartsocas-Papas syndrome 1. Last evaluated: 2018-01-12. Review status: criteria provided, single submitter. Criteria: ICSL Variant Classification Criteria 13 December 2019. Collection method: clinical testing. Allele origin: germline.